The following is an entry in ClinVar:

ClinVar aggregate classification (germline): Uncertain significance (1 of 4 stars; one submission).

Conditions:
Cardiovascular phenotype. Identifiers: MedGen CN230736.

Submission:

Ambry Genetics
Classification: Uncertain significance for Cardiovascular phenotype. Last evaluated: 2024-07-29. Review status: criteria provided, single submitter. Criteria: Ambry Variant Classification Scheme 2023. Collection method: clinical testing. Allele origin: germline.
Comment: The p.L1361P variant (also known as c.4082T>C), located in coding exon 22 of the SCN10A gene, results from a T to C substitution at nucleotide position 4082. The leucine at codon 1361 is replaced by proline, an amino acid with similar properties. This amino acid position is conserved. In addition, this alteration is predicted to be deleterious by in silico analysis. Based on the available evidence, the clinical significance of this variant remains unclear.

NM_006514.4(SCN10A):c.4082T>C (p.Leu1361Pro)

Gene: SCN10A (sodium voltage-gated channel alpha subunit 10; minus strand). Cytogenetic location: 3p22.2.
Variant type: single nucleotide variant.
Coding change: c.4082T>C on transcript NM_006514.4 (MANE Select); coding-DNA position 4082, T replaced by C.
Protein change: p.Leu1361Pro; replaces leucine 1361 with proline.
Molecular consequence: missense variant.
Genome position (GRCh38, 1-based): chr3:38,712,168, A>G on the plus strand (T>C on the coding strand, the complement: SCN10A is on the minus strand). VCF-style: chr3-38712168-A-G. GRCh37 (hg19) VCF-style: chr3-38753659-A-G.
Other names: c.4079T>C, p.Leu1360Pro (NM_001293306.2); c.3788T>C, p.Leu1263Pro (NM_001293307.2); short protein forms L1360P, L1263P, L1361P.
Identifiers: ClinVar variation 3438098 (VCV003438098.1).
Genomic context (GRCh38, chr3:38,712,168, plus strand): 5'-ATTTTATTGAGCGGCCAAAGCAAGAGATATGGTTGATCTCATGGTTGACTCACCACCTGC[A>G]GAAGTGCAAGGTAACCCATTGCAACATTATCAAAGTTGACTTTCACATTGACCCAGAAGA-3'
Protein context (NP_006505.4, residues 1351-1371): DNVAMGYLAL[Leu1361Pro]QVATFKGWMD